The following is an entry in ClinVar:

ClinVar aggregate classification (germline): Benign (1 of 4 stars; one submission).

Submission:

GeneDx
Classification: Benign. Last evaluated: 2018-06-14. Review status: criteria provided, single submitter. Criteria: GeneDx Variant Classification (06012015). Collection method: clinical testing. Allele origin: germline. Affected: yes.
Comment: This variant is considered likely benign or benign based on one or more of the following criteria: it is a conservative change, it occurs at a poorly conserved position in the protein, it is predicted to be benign by multiple in silico algorithms, and/or has population frequency not consistent with disease.

NM_182961.4(SYNE1):c.4310+86_4310+87del

Gene: SYNE1 (spectrin repeat containing nuclear envelope protein 1; minus strand). Cytogenetic location: 6q25.2.
Variant type: Deletion.
Coding change: c.4310+86_4310+87del on transcript NM_182961.4 (MANE Select); bases 86 to 87 of the intron after coding-DNA position 4310, 2 bases deleted (TT; older notation c.4310+86_4310+87delTT).
Molecular consequence: intron variant.
Genome position (GRCh38, 1-based): chr6:152,435,854-152,435,855, AA deleted on the plus strand (TT on the coding strand, the reverse complement: SYNE1 is on the minus strand); deleting any 2 consecutive bases within chr6:152,435,854-152,435,857 gives the same sequence; the c. name uses the placement nearest the transcript's 3' end. VCF-style (leftmost placement, unchanged base first): chr6-152435853-TAA-T. GRCh37 (hg19) VCF-style: chr6-152756988-TAA-T.
Other names: c.4331+86_4331+87del (NM_033071.5).
Identifiers: ClinVar variation 670634 (VCV000670634.1), dbSNP rs143074359, ClinGen allele CA150222869.
Genomic context (GRCh38, chr6:152,435,853, plus strand): 5'-CTTTTGAACTGTGAGTTGTTTCCTCAAAACATGCTGAAATACACAGACACTTTGAGATTT[TAA>T]AAGAGTGTTTTGAATACAAGGTACAGGAAAGATTGTATGAAACTTTATCTCAGAGAAGAA-3'